The following is an entry in ClinVar:

ClinVar aggregate classification (germline): Uncertain significance (1 of 4 stars; one submission).

Allele frequency attached by ClinVar (database versions not stated): gnomAD exomes below 0.00001; TOPMed 0.00001.

Submission:

Labcorp Genetics (formerly Invitae), Labcorp
Classification: Uncertain significance. Last evaluated: 2022-08-31. Review status: criteria provided, single submitter. Criteria: Invitae Variant Classification Sherloc (09022015). Collection method: clinical testing. Allele origin: germline.
Comment: This variant is not present in population databases (gnomAD no frequency). In summary, the available evidence is currently insufficient to determine the role of this variant in disease. Therefore, it has been classified as a Variant of Uncertain Significance. Algorithms developed to predict the effect of missense changes on protein structure and function are either unavailable or do not agree on the potential impact of this missense change (SIFT: "Tolerated"; PolyPhen-2: "Not Available"; Align-GVGD: "Class C0"). This variant has not been reported in the literature in individuals affected with KAT6A-related conditions. This sequence change replaces aspartic acid, which is acidic and polar, with asparagine, which is neutral and polar, at codon 1256 of the KAT6A protein (p.Asp1256Asn).

NM_006766.5(KAT6A):c.3766G>A (p.Asp1256Asn)

Gene: KAT6A (lysine acetyltransferase 6A; minus strand). Cytogenetic location: 8p11.21.
Variant type: single nucleotide variant.
Coding change: c.3766G>A on transcript NM_006766.5 (MANE Select); coding-DNA position 3766, G replaced by A.
Protein change: p.Asp1256Asn; replaces aspartic acid 1256 with asparagine.
Molecular consequence: missense variant.
Genome position (GRCh38, 1-based): chr8:41,934,454, C>T on the plus strand (G>A on the coding strand, the complement: KAT6A is on the minus strand). VCF-style: chr8-41934454-C-T. GRCh37 (hg19) VCF-style: chr8-41791972-C-T.
Other names: short protein forms D1256N.
Identifiers: ClinVar variation 2132740 (VCV002132740.4), dbSNP rs1323483425, ClinGen allele CA371068432.